The following is an entry in ClinVar:

NM_001010867.4(IBA57):c.798G>A (p.Thr266=)

Gene: IBA57 (iron-sulfur cluster assembly factor IBA57; plus strand). Cytogenetic location: 1q42.13.
Variant type: single nucleotide variant.
Coding change: c.798G>A on transcript NM_001010867.4 (MANE Select); coding-DNA position 798, G replaced by A.
Protein change: p.Thr266=; no amino-acid change (threonine 266 retained).
Molecular consequence: synonymous variant.
Genome position (GRCh38, 1-based): chr1:228,175,240, G>A. VCF-style: chr1-228175240-G-A. GRCh37 (hg19) VCF-style: chr1-228362941-G-A.
Other names: c.219G>A, p.Thr73= (NM_001310327.2).
Identifiers: ClinVar variation 3389221 (VCV003389221.14).
Genomic context (GRCh38, chr1:228,175,240, plus strand): 5'-CCTGGCCTTCATGAACGGCGTGAGCTTCACCAAAGGCTGCTACATTGGCCAGGAGCTGAC[G>A]GCCCGCACCCACCACATGGGCGTCATCCGCAAGCGCCTCTTCCCTGTCCGGTTCTTGGAC-3'
Protein context (NP_001010867.1, residues 256-276): TKGCYIGQEL[Thr266=]ARTHHMGVIR

ClinVar aggregate classification (germline): Likely benign (1 of 4 stars; one submission).

Submission:

CeGaT Center for Human Genetics Tuebingen
Classification: Likely benign. Last evaluated: 2024-09-01. Review status: criteria provided, single submitter. Criteria: CeGaT Center For Human Genetics Tuebingen Variant Classification Criteria Version 2. Collection method: clinical testing. Allele origin: germline. Affected: yes. Observed: 1 variant allele.
Comment: IBA57: BP4, BP7